The following is an entry in ClinVar:

NM_000059.4(BRCA2):c.6445_6446del (p.Ser2148_Ile2149insTer)

Gene: BRCA2 (BRCA2 DNA repair associated; plus strand). Cytogenetic location: 13q13.1.
Variant type: Deletion.
Coding change: c.6445_6446del on transcript NM_000059.4 (MANE Select); coding-DNA positions 6445 to 6446, 2 bases deleted (AT; older notation c.6445_6446delAT).
Protein change: p.Ser2148_Ile2149insTer.
Molecular consequence: nonsense.
Genome position (GRCh38, 1-based): chr13:32,340,800-32,340,801, AT deleted; deleting any 2 consecutive bases within chr13:32,340,799-32,340,801 gives the same sequence; the c. name uses the placement nearest the transcript's 3' end. VCF-style (leftmost placement, unchanged base first): chr13-32340798-CTA-C. GRCh37 (hg19) VCF-style: chr13-32914935-CTA-C.
Other names: 6673delAT; c.6445_6446delAT (NM_000059.3).
Identifiers: ClinVar variation 52100 (VCV000052100.42), dbSNP rs80359592, ClinGen allele CA024050.

ClinVar aggregate classification (germline): Pathogenic. Review status: reviewed by expert panel (3 of 4 stars). 14 submissions from 14 submitters: Pathogenic (1). 13 of the submissions do not count toward it. Last evaluated 2016-09-08.

Conditions:
BRCA2-related disorder. Also called: BRCA2-related condition; BRCA2-related disorders. Identifiers: MedGen CN239275.
Hereditary cancer-predisposing syndrome. Also called: Hereditary Cancer Syndrome; Tumor predisposition; Neoplastic Syndromes, Hereditary; Hereditary neoplastic syndrome. Identifiers: Orphanet 140162, MedGen C0027672, MeSH D009386, MONDO:0015356.
Hereditary breast ovarian cancer syndrome. Also called: Breast and ovarian cancer; BRCA1- and BRCA2-Associated Hereditary Breast and Ovarian Cancer; Hereditary breast and ovarian cancer; Hereditary breast and ovarian cancer syndrome (HBOC); Hereditary breast and ovarian cancer syndrome; Hereditary breast and/or ovarian cancer syndrome. Identifiers: Orphanet 145, MedGen C0677776, MeSH D061325, MONDO:0003582. Disease mechanism: loss of function.
Breast-ovarian cancer, familial, susceptibility to, 2 (BROVCA2). Also called: BRCA2 Hereditary Breast and Ovarian Cancer. Identifiers: Orphanet 145, MedGen C2675520, MONDO:0012933, OMIM 612555. Disease mechanism: loss of function.
Breast-ovarian cancer, familial, susceptibility to, 1 (BROVCA1). Also called: BRCA1 Hereditary Breast and Ovarian Cancer; OVARIAN CANCER, SUSCEPTIBILITY TO. Identifiers: Orphanet 145, MedGen C2676676, MONDO:0011450, OMIM 604370. Disease mechanism: loss of function.
Familial cancer of breast. Also called: BREAST CANCER, FAMILIAL; hereditary breast carcinoma; Hereditary breast cancer. Identifiers: Orphanet 227535, MedGen C0346153, MONDO:0016419, OMIM 114480. Disease mechanism: loss of function.

Submissions (14):

Evidence-based Network for the Interpretation of Germline Mutant Alleles (ENIGMA)
Classification: Pathogenic for Breast-ovarian cancer, familial, susceptibility to, 2. Last evaluated: 2016-09-08. Review status: reviewed by expert panel. Criteria: ENIGMA BRCA1/2 Classification Criteria (2015). Collection method: curation. Allele origin: germline.
Comment: Variant allele predicted to encode a truncated non-functional protein.

Women's Health and Genetics/Laboratory Corporation of America, LabCorp
Classification: Pathogenic for Hereditary breast ovarian cancer syndrome. Last evaluated: 2026-02-02. Review status: criteria provided, single submitter. Criteria: LabCorp Variant Classification Summary - May 2015. Collection method: clinical testing. Allele origin: germline. Not counted in ClinVar's aggregate classification.
Comment: Variant summary: BRCA2 c.6445_6446delAT (p.Ile2149X) results in a premature termination codon, predicted to cause a truncation of the encoded protein or absence of the protein due to nonsense mediated decay, which are commonly known mechanisms for disease. The variant was absent in 231302 control chromosomes. c.6445_6446delAT has been observed in individual(s) affected with Hereditary Breast And Ovarian Cancer Syndrome (e.g. Arai_2018). These report(s) do not provide unequivocal conclusions about association of the variant with Hereditary Breast And Ovarian Cancer Syndrome. To our knowledge, no experimental evidence demonstrating an impact on protein function has been reported. The following publication have been ascertained in the context of this evaluation (PMID: 29176636). ClinVar contains an entry for this variant (Variation ID: 52100). Based on the evidence outlined above, the variant was classified as pathogenic.

Labcorp Genetics (formerly Invitae), Labcorp
Classification: Pathogenic for Hereditary breast ovarian cancer syndrome. Last evaluated: 2025-05-05. Review status: criteria provided, single submitter. Criteria: Invitae Variant Classification Sherloc (09022015). Collection method: clinical testing. Allele origin: germline. Not counted in ClinVar's aggregate classification.
Comment: This sequence change creates a premature translational stop signal (p.Ile2149*) in the BRCA2 gene. It is expected to result in an absent or disrupted protein product. Loss-of-function variants in BRCA2 are known to be pathogenic (PMID: 20104584). This variant is not present in population databases (gnomAD no frequency). This variant has not been reported in the literature in individuals affected with BRCA2-related conditions. ClinVar contains an entry for this variant (Variation ID: 52100). For these reasons, this variant has been classified as Pathogenic.

GeneDx
Classification: Pathogenic. Last evaluated: 2024-12-05. Review status: criteria provided, single submitter. Criteria: GeneDx Variant Classification Process June 2021. Collection method: clinical testing. Allele origin: germline. Affected: yes. Not counted in ClinVar's aggregate classification.
Comment: Nonsense variant predicted to result in protein truncation or nonsense mediated decay in a gene for which loss of function is a known mechanism of disease; Not observed at significant frequency in large population cohorts (gnomAD); Truncating variants in this gene are considered pathogenic by a well-established clinical consortium and/or database; Also known as 6673_6674delAT; 6673delAT; 6672delTA; This variant is associated with the following publications: (PMID: 11857748, 26026974, 19016756, 29176636, 33891299, 34290354, 29802286, 34717758, 32933947, 36113475, 35950060)

CeGaT Center for Human Genetics Tuebingen
Classification: Pathogenic. Last evaluated: 2024-07-01. Review status: criteria provided, single submitter. Criteria: CeGaT Center For Human Genetics Tuebingen Variant Classification Criteria Version 2. Collection method: clinical testing. Allele origin: germline. Affected: yes. Observed: 1 variant allele. Not counted in ClinVar's aggregate classification.
Comment: BRCA2: PVS1, PM2, PS4:Moderate

Quest Diagnostics Nichols Institute San Juan Capistrano
Classification: Pathogenic. Last evaluated: 2024-04-24. Review status: criteria provided, single submitter. Criteria: Quest Diagnostics criteria. Collection method: clinical testing. Allele origin: unknown. Not counted in ClinVar's aggregate classification.
Comment: The BRCA2 c.6445_6446del (p.Ile2149*) variant (also known as 6444_6445del, 6672delTA) causes the premature termination of BRCA2 protein synthesis. This variant has been reported in the published literature in multiple individuals with breast cancer (PMIDs: 33891299 (2021), 34717758 (2021), 34290354 (2021), 19016756 (2008), 11857748 (2002)) and pancreatic cancer (PMIDs: 32933947 (2021), 29802286 (2018)). This variant has not been reported in large, multi-ethnic general populations (Genome Aggregation Database). Based on the available information, this variant is classified as pathogenic.

Ambry Genetics
Classification: Pathogenic for Hereditary cancer-predisposing syndrome. Last evaluated: 2022-03-28. Review status: criteria provided, single submitter. Criteria: Ambry Variant Classification Scheme 2023. Collection method: clinical testing. Allele origin: germline. Not counted in ClinVar's aggregate classification.
Comment: The c.6445_6446delAT pathogenic mutation, located in coding exon 10 of the BRCA2 gene, results from a deletion of two nucleotides at nucleotide positions 6445 to 6446, causing a translational frameshift with a predicted alternate stop codon (p.I2149*). This alteration has been identified in multiple individuals diagnosed with breast cancer (Sugano K et al. Cancer Sci, 2008 Oct;99:1967-76; Strojnik K et al. Breast Cancer Res Treat, 2021 Aug;188:811-820). This variant is considered to be rare based on population cohorts in the Genome Aggregation Database (gnomAD). In addition to the clinical data presented in the literature, this alteration is expected to result in loss of function by premature protein truncation or nonsense-mediated mRNA decay. As such, this alteration is interpreted as a disease-causing mutation.

MGZ Medical Genetics Center
Classification: Pathogenic for Breast-ovarian cancer, familial, susceptibility to, 2. Last evaluated: 2022-02-25. Review status: criteria provided, single submitter. Criteria: ACMG Guidelines, 2015. Collection method: clinical testing. Allele origin: germline. Affected: yes. Observed: 2 variant alleles. Not counted in ClinVar's aggregate classification.
Comment: ACMG criteria applied: PVS1, PS4_MOD, PM2_SUP

Baylor Genetics
Classification: Pathogenic for Familial cancer of breast. Last evaluated: 2021-10-25. Review status: criteria provided, single submitter. Criteria: ACMG Guidelines, 2015. Collection method: clinical testing. Allele origin: unknown. Not counted in ClinVar's aggregate classification.

Department of Molecular Diagnostics, Institute of Oncology Ljubljana
Classification: Pathogenic for Breast-ovarian cancer, familial, susceptibility to, 1. Last evaluated: 2020-04-02. Review status: criteria provided, single submitter. Criteria: ACMG Guidelines, 2015. Collection method: clinical testing. Allele origin: germline. Affected: yes. Not counted in ClinVar's aggregate classification.

Blueprint Genetics
Classification: Pathogenic for BRCA2-related disorders. Last evaluated: 2019-04-25. Review status: criteria provided, single submitter. Criteria: ACMG Guidelines, 2015. Collection method: clinical testing. Allele origin: germline. Affected: yes. Observed: 1 variant allele. Not counted in ClinVar's aggregate classification.

Consortium of Investigators of Modifiers of BRCA1/2 (CIMBA), c/o University of Cambridge
Classification: Pathogenic for Breast-ovarian cancer, familial, susceptibility to, 2. Last evaluated: 2015-10-02. Review status: criteria provided, single submitter. Criteria: CIMBA Mutation Classification guidelines May 2016. Collection method: clinical testing. Allele origin: germline. Not counted in ClinVar's aggregate classification.

Sharing Clinical Reports Project (SCRP)
Classification: Pathogenic for Breast-ovarian cancer, familial 2. Last evaluated: 2013-07-18. Review status: no assertion criteria provided. Collection method: clinical testing. Allele origin: germline. Not counted in ClinVar's aggregate classification.

Breast Cancer Information Core (BIC) (BRCA2)
Classification: Pathogenic for Breast-ovarian cancer, familial 2. Last evaluated: 2004-02-20. Review status: no assertion criteria provided. Collection method: clinical testing. Allele origin: germline. Affected: yes. Observed: 4 variant alleles. Not counted in ClinVar's aggregate classification.

Literature cited by the submitters: PubMed 29176636 (cited by Women's Health and Genetics/Laboratory Corporation of America, LabCorp and Quest Diagnostics Nichols Institute San Juan Capistrano); PubMed 20104584 (cited by Labcorp Genetics (formerly Invitae), Labcorp); PubMed 11857748 (cited by Quest Diagnostics Nichols Institute San Juan Capistrano); PubMed 26026974 (cited by Quest Diagnostics Nichols Institute San Juan Capistrano); PubMed 19016756 (cited by Quest Diagnostics Nichols Institute San Juan Capistrano and Ambry Genetics); PubMed 32933947 (cited by Quest Diagnostics Nichols Institute San Juan Capistrano); PubMed 34717758 (cited by Quest Diagnostics Nichols Institute San Juan Capistrano); PubMed 34290354 (cited by Quest Diagnostics Nichols Institute San Juan Capistrano); PubMed 29802286 (cited by Quest Diagnostics Nichols Institute San Juan Capistrano); PubMed 33891299 (cited by Quest Diagnostics Nichols Institute San Juan Capistrano and Ambry Genetics).